The following is an entry in ClinVar:

NM_003051.4(SLC16A1):c.1354C>A (p.Gln452Lys)

Gene: SLC16A1 (solute carrier family 16 member 1; minus strand). Cytogenetic location: 1p13.2.
Variant type: single nucleotide variant.
Coding change: c.1354C>A on transcript NM_003051.4 (MANE Select); coding-DNA position 1354, C replaced by A.
Protein change: p.Gln452Lys; replaces glutamine 452 with lysine.
Molecular consequence: missense variant.
Genome position (GRCh38, 1-based): chr1:112,914,040, G>T on the plus strand (C>A on the coding strand, the complement: SLC16A1 is on the minus strand). VCF-style: chr1-112914040-G-T. GRCh37 (hg19) VCF-style: chr1-113456662-G-T.
Other names: c.1354C>A, p.Gln452Lys (NM_001166496.2); short protein forms Q452K.
Identifiers: ClinVar variation 2798730 (VCV002798730.3), dbSNP rs748247375, ClinGen allele CA1011256.
Genomic context (GRCh38, chr1:112,914,040, plus strand): 5'-CAGCAACATCTATACTGGTCTCTTCCTCTTTACTTTCCTTTTTCTGCTCGTTTGCTTTCT[G>T]TTCTTTTGCCAAAAGTCGATAATTGATGCCCATGCCAATGAAGAGATAGATACCTGAAAT-3'
Protein context (NP_003042.3, residues 442-462): GINYRLLAKE[Gln452Lys]KANEQKKESK

ClinVar aggregate classification (germline): Uncertain significance (1 of 4 stars; one submission).

Allele frequency attached by ClinVar (database versions not stated): ExAC 0.00001.
gnomAD v4.1: 2 of 1,614,060 alleles (0.00012%); no homozygotes.

Submission:

Labcorp Genetics (formerly Invitae), Labcorp
Classification: Uncertain significance. Last evaluated: 2023-11-10. Review status: criteria provided, single submitter. Criteria: Invitae Variant Classification Sherloc (09022015). Collection method: clinical testing. Allele origin: germline.
Comment: This sequence change replaces glutamine, which is neutral and polar, with lysine, which is basic and polar, at codon 452 of the SLC16A1 protein (p.Gln452Lys). This variant is present in population databases (rs748247375, gnomAD 0.01%). This variant has not been reported in the literature in individuals affected with SLC16A1-related conditions. An algorithm developed to predict the effect of missense changes on protein structure and function (PolyPhen-2) suggests that this variant is likely to be tolerated. In summary, the available evidence is currently insufficient to determine the role of this variant in disease. Therefore, it has been classified as a Variant of Uncertain Significance.